The following is an entry in ClinVar:

ClinVar aggregate classification (germline): Uncertain significance. Review status: criteria provided, multiple submitters, no conflicts (2 of 4 stars). 7 submissions from 7 submitters: Uncertain significance (6). 1 of the submissions does not count toward it. Last evaluated 2025-03-17.

Conditions:
Neuromuscular disease caused by qualitative or quantitative defects of dysferlin. Also called: Qualitative or quantitative defects of dysferlin; Dysferlinopathy. Identifiers: Orphanet 207073, MedGen C2931687, MONDO:0016145.
Autosomal recessive limb-girdle muscular dystrophy type 2B (LGMDR2). Also called: MUSCULAR DYSTROPHY, LIMB-GIRDLE, AUTOSOMAL RECESSIVE 2; MUSCULAR DYSTROPHY, LIMB-GIRDLE, TYPE 3; Limb-Girdle Muscular Dystrophy Type 2B (LGMD2B); Limb-girdle muscular dystrophy, type 2B. Identifiers: Orphanet 268, MedGen C1850889, MONDO:0009676, OMIM 253601.
Inborn genetic diseases. Identifiers: MedGen C0950123, MeSH D030342.

Allele frequency attached by ClinVar (database versions not stated): gnomAD 0.00003; gnomAD exomes 0.00004 and 0.00012; ExAC 0.00005; ESP Exome Variant Server 0.00008; TOPMed 0.00009.

Submissions (7):

Ambry Genetics
Classification: Uncertain significance for Inborn genetic diseases. Last evaluated: 2025-03-17. Review status: criteria provided, single submitter. Criteria: Ambry Variant Classification Scheme 2023. Collection method: clinical testing. Allele origin: germline.

Labcorp Genetics (formerly Invitae), Labcorp
Classification: Uncertain significance for Neuromuscular disease caused by qualitative or quantitative defects of dysferlin. Last evaluated: 2024-12-19. Review status: criteria provided, single submitter. Criteria: Invitae Variant Classification Sherloc (09022015). Collection method: clinical testing. Allele origin: germline.
Comment: This sequence change replaces proline, which is neutral and non-polar, with leucine, which is neutral and non-polar, at codon 1221 of the DYSF protein (p.Pro1221Leu). This variant is present in population databases (rs368556029, gnomAD 0.009%). This variant has not been reported in the literature in individuals affected with DYSF-related conditions. ClinVar contains an entry for this variant (Variation ID: 499227). Invitae Evidence Modeling of protein sequence and biophysical properties (such as structural, functional, and spatial information, amino acid conservation, physicochemical variation, residue mobility, and thermodynamic stability) has been performed for this missense variant. However, the output from this modeling did not meet the statistical confidence thresholds required to predict the impact of this variant on DYSF protein function. In summary, the available evidence is currently insufficient to determine the role of this variant in disease. Therefore, it has been classified as a Variant of Uncertain Significance.

GeneDx
Classification: Uncertain significance. Last evaluated: 2024-05-09. Review status: criteria provided, single submitter. Criteria: GeneDx Variant Classification Process June 2021. Collection method: clinical testing. Allele origin: germline. Affected: yes.
Comment: Not observed at significant frequency in large population cohorts (gnomAD); In silico analysis supports that this missense variant has a deleterious effect on protein structure/function; Has not been previously published as pathogenic or benign to our knowledge; This variant is associated with the following publications: (PMID: 24438169)

CeGaT Center for Human Genetics Tuebingen
Classification: Uncertain significance. Last evaluated: 2020-08-01. Review status: criteria provided, single submitter. Criteria: CeGaT Center For Human Genetics Tuebingen Variant Classification Criteria Version 2. Collection method: clinical testing. Allele origin: germline. Affected: yes. Observed: 1 variant allele.

Revvity Omics, Revvity
Classification: Uncertain significance. Last evaluated: 2020-06-12. Review status: criteria provided, single submitter. Criteria: ACMG Guidelines, 2015. Collection method: clinical testing. Allele origin: germline.

Eurofins Ntd Llc (ga)
Classification: Uncertain significance. Last evaluated: 2016-12-29. Review status: criteria provided, single submitter. Criteria: EGL Classification Definitions 2015. Collection method: clinical testing. Allele origin: germline. Observed: 1 variant allele, 1 heterozygote.

Natera, Inc.
Classification: Uncertain significance for Limb-girdle muscular dystrophy type 2B. Last evaluated: 2020-01-24. Review status: no assertion criteria provided. Collection method: clinical testing. Allele origin: germline. Not counted in ClinVar's aggregate classification.

NM_001130987.2(DYSF):c.3716C>T (p.Pro1239Leu)

Gene: DYSF (dysferlin; plus strand). Cytogenetic location: 2p13.2.
Variant type: single nucleotide variant.
Coding change: c.3716C>T on transcript NM_001130987.2 (MANE Select); coding-DNA position 3716, C replaced by T.
Protein change: p.Pro1239Leu; replaces proline 1239 with leucine.
Molecular consequence: missense variant.
Genome position (GRCh38, 1-based): chr2:71,598,705, C>T. VCF-style: chr2-71598705-C-T. GRCh37 (hg19) VCF-style: chr2-71825835-C-T.
Other names: c.3665C>T, p.Pro1222Leu (NM_001130455.2, NM_001130983.2); c.3620C>T, p.Pro1207Leu (NM_001130976.2, NM_001130977.2); c.3662C>T, p.Pro1221Leu (NM_001130978.2, NM_003494.4); c.3755C>T, p.Pro1252Leu (NM_001130979.2); c.3713C>T, p.Pro1238Leu (NM_001130980.2, NM_001130981.2); c.3758C>T, p.Pro1253Leu (NM_001130982.2); c.3623C>T, p.Pro1208Leu (NM_001130984.2, NM_001130986.2); c.3716C>T, p.Pro1239Leu (NM_001130985.2); short protein forms P1221L, P1239L, P1207L, P1252L, P1208L, P1222L, P1238L, P1253L.
Identifiers: ClinVar variation 499227 (VCV000499227.52), dbSNP rs368556029, ClinGen allele CA1706672.